The following is an entry in ClinVar:

ClinVar aggregate classification (germline): Conflicting classifications of pathogenicity. Review status: criteria provided, conflicting classifications (1 of 4 stars). 3 submissions from 3 submitters: Uncertain significance (2); Likely benign (1). Last evaluated 2026-04-16.

Conditions:
Deficiency of aromatic-L-amino-acid decarboxylase. Also called: AADC DEFICIENCY; DDC DEFICIENCY; DOPA DECARBOXYLASE DEFICIENCY; Aromatic L-Amino Acid Decarboxylase Deficiency; Aromatic amino acid decarboxylase deficiency. Identifiers: Orphanet 35708, MedGen C1291564, MONDO:0012084, OMIM 608643.

Allele frequency attached by ClinVar (database versions not stated): gnomAD exomes 0.00044; ExAC 0.00035; gnomAD 0.00069 and 0.00064; TOPMed 0.00075; ESP Exome Variant Server 0.00085.
gnomAD v4.1: 430 of 1,612,196 alleles (0.027%); highest among the groups gnomAD compares: Admixed American, 0.21%; 1 homozygote.

Submissions (5):

GeneDx
Classification: Uncertain significance. Last evaluated: 2026-04-16. Review status: criteria provided, single submitter. Criteria: GeneDx Variant Classification Process June 2021. Collection method: clinical testing. Allele origin: germline.
Comment: In silico analysis is inconclusive as to whether the variant alters gene splicing. In the absence of RNA/functional studies, the actual effect of this sequence change is unknown.; This variant is associated with the following publications: (PMID: 28404951, 26659599, 28719003, 26740555, 36427457)

Labcorp Genetics (formerly Invitae), Labcorp
Classification: Likely benign for Deficiency of aromatic-L-amino-acid decarboxylase. Last evaluated: 2026-02-01. Review status: criteria provided, single submitter. Criteria: Invitae Variant Classification Sherloc (09022015). Collection method: clinical testing. Allele origin: germline.

Illumina Laboratory Services, Illumina
Classification: Uncertain significance for Deficiency of aromatic-L-amino-acid decarboxylase. Last evaluated: 2017-04-27. Review status: criteria provided, single submitter. Criteria: ICSL Variant Classification Criteria 13 December 2019. Collection method: clinical testing. Allele origin: germline.

Dr. Peter K. Rogan Lab, Western University
No classification provided (evidence only). Condition: Adrenocortical carcinoma, hereditary. Review status: no classification provided. Collection method: in vitro. Allele origin: not applicable. Functional consequence: retained intron. Not counted in ClinVar's aggregate classification.

Dr. Peter K. Rogan Lab, Western University
No classification provided (evidence only). Condition: Malignant tumor of esophagus. Review status: no classification provided. Collection method: in vitro. Allele origin: not applicable. Functional consequence: retained intron. Not counted in ClinVar's aggregate classification.

NM_001082971.2(DDC):c.715A>T (p.Met239Leu)

Gene: DDC (dopa decarboxylase; minus strand). Cytogenetic location: 7p12.1.
Variant type: single nucleotide variant.
Coding change: c.715A>T on transcript NM_001082971.2 (MANE Select); coding-DNA position 715, A replaced by T.
Protein change: p.Met239Leu; replaces methionine 239 with leucine.
Molecular consequence: missense variant.
Genome position (GRCh38, 1-based): chr7:50,504,059, T>A on the plus strand (A>T on the coding strand, the complement: DDC is on the minus strand). VCF-style: chr7-50504059-T-A. GRCh37 (hg19) VCF-style: chr7-50571757-T-A.
Other names: c.715A>T, p.Met239Leu (NM_000790.4, NM_001242890.2); c.601A>T, p.Met201Leu (NM_001242886.2); c.571A>T, p.Met191Leu (NM_001242887.2); c.481A>T, p.Met161Leu (NM_001242888.2); c.436A>T, p.Met146Leu (NM_001242889.2); short protein forms M191L, M201L, M239L, M146L, M161L.
Identifiers: ClinVar variation 791671 (VCV000791671.16), dbSNP rs11575376, ClinGen allele CA4262269.